The following is an entry in ClinVar:

NM_017721.5(CC2D1A):c.605C>T (p.Ala202Val)

Gene: CC2D1A (coiled-coil and C2 domain containing 1A; plus strand). Cytogenetic location: 19p13.12.
Variant type: single nucleotide variant.
Coding change: c.605C>T on transcript NM_017721.5 (MANE Select); coding-DNA position 605, C replaced by T.
Protein change: p.Ala202Val; replaces alanine 202 with valine.
Molecular consequence: missense variant.
Genome position (GRCh38, 1-based): chr19:13,913,495, C>T. VCF-style: chr19-13913495-C-T. GRCh37 (hg19) VCF-style: chr19-14024308-C-T.
Other names: short protein forms A202V.
Identifiers: ClinVar variation 589653 (VCV000589653.29), dbSNP rs375001092, ClinGen allele CA9244352.

ClinVar aggregate classification (germline): Conflicting classifications of pathogenicity. Review status: criteria provided, conflicting classifications (1 of 4 stars). 3 submissions from 3 submitters: Uncertain significance (1); Likely benign (2). Last evaluated 2024-07-12.

Conditions:
Inborn genetic diseases. Identifiers: MedGen C0950123, MeSH D030342.

Allele frequency attached by ClinVar (database versions not stated): TOPMed 0.00003; ESP Exome Variant Server 0.00008; gnomAD 0.00010; 1000 Genomes Project 30x 0.00031; 1000 Genomes Project 0.00040.
gnomAD v4.1: 52 of 1,614,184 alleles (0.0032%); highest among the groups gnomAD compares: Middle Eastern, 0.016%; no homozygotes.

Submissions (3):

Blueprint Genetics
Classification: Likely benign. Last evaluated: 2024-07-12. Review status: criteria provided, single submitter. Criteria: ACMG Guidelines, 2015. Collection method: clinical testing. Allele origin: germline.

CeGaT Center for Human Genetics Tuebingen
Classification: Likely benign. Last evaluated: 2023-01-01. Review status: criteria provided, single submitter. Criteria: CeGaT Center For Human Genetics Tuebingen Variant Classification Criteria Version 2. Collection method: clinical testing. Allele origin: germline. Affected: yes. Observed: 1 variant allele.
Comment: CC2D1A: BP4

Ambry Genetics
Classification: Uncertain significance for Inborn genetic diseases. Last evaluated: 2021-03-17. Review status: criteria provided, single submitter. Criteria: Ambry Variant Classification Scheme 2023. Collection method: clinical testing. Allele origin: germline.
Comment: The c.605C>T (p.A202V) alteration is located in exon 6 (coding exon 6) of the CC2D1A gene. This alteration results from a C to T substitution at nucleotide position 605, causing the alanine (A) at amino acid position 202 to be replaced by a valine (V). The p.A202V alteration is predicted to be tolerated by in silico analysis. Based on insufficient or conflicting evidence, the clinical significance of this alteration remains unclear.